The following is an entry in ClinVar:

ClinVar aggregate classification (germline): Conflicting classifications of pathogenicity. Review status: criteria provided, conflicting classifications (1 of 4 stars). 9 submissions from 9 submitters: Uncertain significance (1); Benign (2); Likely benign (5). 1 of the submissions does not count toward it. Last evaluated 2026-05-01.

Conditions:
LAMA1-related disorder. Also called: LAMA1-related condition; LAMA1-related disorders.
Inborn genetic diseases. Identifiers: MedGen C0950123, MeSH D030342.
Intellectual disability. Also called: Intellectual developmental disorder; Intellectual functioning disability; intellectual disabilities. Identifiers: MedGen C3714756, MeSH D008607, MONDO:0001071, HP:0001249.

Allele frequency attached by ClinVar (database versions not stated): 1000 Genomes Project 30x 0.00031; 1000 Genomes Project 0.00040; gnomAD 0.00148 and 0.00161; gnomAD exomes 0.00149 and 0.00246; ExAC 0.00151; ESP Exome Variant Server 0.00215; TOPMed 0.00151.
gnomAD v4.1: 3,785 of 1,614,216 alleles (0.23%); highest among the groups gnomAD compares: Non-Finnish European, 0.3%; 7 homozygotes.

Submissions (9):

CeGaT Center for Human Genetics Tuebingen
Classification: Likely benign. Last evaluated: 2026-05-01. Review status: criteria provided, single submitter. Criteria: CeGaT Center For Human Genetics Tuebingen Variant Classification Criteria Version 2. Collection method: clinical testing. Allele origin: germline. Affected: yes. Observed: 3 variant alleles.
Comment: LAMA1: BS2

Labcorp Genetics (formerly Invitae), Labcorp
Classification: Benign. Last evaluated: 2026-01-03. Review status: criteria provided, single submitter. Criteria: Invitae Variant Classification Sherloc (09022015). Collection method: clinical testing. Allele origin: germline.

Women's Health and Genetics/Laboratory Corporation of America, LabCorp
Classification: Likely benign. Last evaluated: 2025-09-04. Review status: criteria provided, single submitter. Criteria: LabCorp Variant Classification Summary - May 2015. Collection method: clinical testing. Allele origin: germline.
Comment: Variant summary: LAMA1 c.2900G>A (p.Gly967Asp) results in a non-conservative amino acid change in the encoded protein sequence. Algorithms developed to predict the effect of missense changes on protein structure and function all suggest that this variant is likely to be disruptive. The variant allele was found at a frequency of 0.0023 in 1614216 control chromosomes, predominantly at a frequency of 0.003 within the Non-Finnish European subpopulation in the gnomAD database, including 7 homozygotes. The observed variant frequency within Non-Finnish European control individuals in the gnomAD database exceeds the estimated maximal expected allele frequency for disease-causing variants in LAMA1. To our knowledge, no occurrence of c.2900G>A in individuals affected with LAMA1-related conditions and no experimental evidence demonstrating its impact on protein function have been reported. ClinVar contains an entry for this variant (Variation ID: 789344). Based on the evidence outlined above, the variant was classified as likely benign.

Mayo Clinic Laboratories, Mayo Clinic
Classification: Likely benign. Last evaluated: 2025-04-22. Review status: criteria provided, single submitter. Criteria: ACMG Guidelines, 2015. Collection method: clinical testing. Allele origin: germline. Observed: 4 variant alleles.
Comment: BS1, BS2, PP3

Blueprint Genetics
Classification: Likely benign. Last evaluated: 2024-11-26. Review status: criteria provided, single submitter. Criteria: ACMG Guidelines, 2015. Collection method: clinical testing. Allele origin: germline.

Ambry Genetics
Classification: Likely benign for Inborn genetic diseases. Last evaluated: 2021-10-09. Review status: criteria provided, single submitter. Criteria: Ambry Variant Classification Scheme 2023. Collection method: clinical testing. Allele origin: germline.

GeneDx
Classification: Uncertain significance. Last evaluated: 2019-09-26. Review status: criteria provided, single submitter. Criteria: GeneDx Variant Classification Process June 2021. Collection method: clinical testing. Allele origin: germline. Affected: yes.
Comment: In silico analysis, which includes protein predictors and evolutionary conservation, supports a deleterious effect; This variant is associated with the following publications: (PMID: 29981437)

Cambridge Genomics Laboratory, East Genomic Laboratory Hub, NHS Genomic Medicine Service
Classification: Benign for Intellectual disability. Last evaluated: 2019-06-28. Review status: criteria provided, single submitter. Criteria: ACGS Best Practice Guidelines for Variant Classification in Rare Disease 2020. Collection method: clinical testing. Allele origin: germline. Affected: yes. Observed: 1 variant allele.

PreventionGenetics, part of Exact Sciences
Classification: Likely benign for LAMA1-related condition. Last evaluated: 2023-06-22. Review status: no assertion criteria provided. Collection method: clinical testing. Allele origin: germline. Not counted in ClinVar's aggregate classification.
Comment: This variant is classified as likely benign based on ACMG/AMP sequence variant interpretation guidelines (Richards et al. 2015 PMID: 25741868, with internal and published modifications).

NM_005559.4(LAMA1):c.2900G>A (p.Gly967Asp)

Gene: LAMA1 (laminin subunit alpha 1; minus strand). Cytogenetic location: 18p11.31.
Variant type: single nucleotide variant.
Coding change: c.2900G>A on transcript NM_005559.4 (MANE Select); coding-DNA position 2900, G replaced by A.
Protein change: p.Gly967Asp; replaces glycine 967 with aspartic acid.
Molecular consequence: missense variant.
Genome position (GRCh38, 1-based): chr18:7,016,580, C>T on the plus strand (G>A on the coding strand, the complement: LAMA1 is on the minus strand). VCF-style: chr18-7016580-C-T. GRCh37 (hg19) VCF-style: chr18-7016579-C-T.
Other names: p.Gly967Asp; short protein forms G967D.
Identifiers: ClinVar variation 789344 (VCV000789344.41), dbSNP rs141851670, ClinGen allele CA8882468.